The following is an entry in ClinVar:

ClinVar aggregate classification (germline): Benign/Likely benign. Review status: criteria provided, multiple submitters, no conflicts (2 of 4 stars). 3 submissions from 3 submitters: Benign (1); Likely benign (2). Last evaluated 2026-09-14.

Conditions:
Colorectal cancer, hereditary nonpolyposis, type 7. Identifiers: Orphanet 144, MedGen C1858380, MONDO:0013725, OMIM 614385.

Allele frequency attached by ClinVar (database versions not stated): gnomAD exomes below 0.00001.
gnomAD v4.1: 1 of 1,614,068 alleles (0.000062%); highest among the groups gnomAD compares: Non-Finnish European, 0.000085%; no homozygotes.

Submissions (3):

Myriad Genetics, Inc.
Classification: Benign for Colorectal cancer, hereditary nonpolyposis, type 7. Last evaluated: 2026-09-14. Review status: criteria provided, single submitter. Criteria: Myriad Autosomal Dominant, Autosomal Recessive and X-Linked Classification Criteria (2023). Collection method: clinical testing. Allele origin: unknown.
Comment: This variant is considered benign. This variant is a silent/synonymous amino acid change and it is not expected to impact splicing.

Labcorp Genetics (formerly Invitae), Labcorp
Classification: Likely benign for Colorectal cancer, hereditary nonpolyposis, type 7. Last evaluated: 2021-08-17. Review status: criteria provided, single submitter. Criteria: Invitae Variant Classification Sherloc (09022015). Collection method: clinical testing. Allele origin: germline.

Ambry Genetics
Classification: Likely benign. Last evaluated: 2020-07-22. Review status: criteria provided, single submitter. Criteria: Ambry Variant Classification Scheme 2023. Collection method: clinical testing. Allele origin: germline.

NM_001040108.2(MLH3):c.1875T>C (p.His625=)

Gene: MLH3 (mutL homolog 3; minus strand). Cytogenetic location: 14q24.3.
Variant type: single nucleotide variant.
Coding change: c.1875T>C on transcript NM_001040108.2 (MANE Select); coding-DNA position 1875, T replaced by C.
Protein change: p.His625=; no amino-acid change (histidine 625 retained).
Molecular consequence: synonymous variant.
Genome position (GRCh38, 1-based): chr14:75,047,781, A>G on the plus strand (T>C on the coding strand, the complement: MLH3 is on the minus strand). VCF-style: chr14-75047781-A-G. GRCh37 (hg19) VCF-style: chr14-75514484-A-G.
Other names: c.1875T>C, p.His625= (NM_014381.3).
Identifiers: ClinVar variation 1667197 (VCV001667197.11), dbSNP rs2139574307, ClinGen allele CA487273665.
Genomic context (GRCh38, chr14:75,047,781, plus strand): 5'-TCTATTTCCAAATGTTTCTTGGGCACGTGTGGGACCAGGTCTAACATAATTTTTAAATGA[A>G]TGTTCTGTTTCAGTTGATTTAGTTTTTTCATTTTGTACTACATGAGTTATAAAGCCAGTG-3'
Protein context (NP_001035197.1, residues 615-635): NEKTKSTETE[His625=]SFKNYVRPGP